The following is an entry in ClinVar:

ClinVar aggregate classification (germline): Uncertain significance. Review status: criteria provided, multiple submitters, no conflicts (2 of 4 stars). 2 submissions from 2 submitters: Uncertain significance (2). Last evaluated 2026-02-02.

Conditions:
Inborn genetic diseases. Identifiers: MedGen C0950123, MeSH D030342.

Allele frequency attached by ClinVar (database versions not stated): gnomAD exomes below 0.00001.
gnomAD v4.1: 4 of 1,614,030 alleles (0.00025%); highest among the groups gnomAD compares: Non-Finnish European, 0.00034%; no homozygotes.

Submissions (2):

Labcorp Genetics (formerly Invitae), Labcorp
Classification: Uncertain significance. Last evaluated: 2026-02-02. Review status: criteria provided, single submitter. Criteria: Invitae Variant Classification Sherloc (09022015). Collection method: clinical testing. Allele origin: germline.
Comment: This sequence change replaces leucine, which is neutral and non-polar, with arginine, which is basic and polar, at codon 1454 of the LAMC3 protein (p.Leu1454Arg). This variant is not present in population databases (gnomAD no frequency). This variant has not been reported in the literature in individuals affected with LAMC3-related conditions. ClinVar contains an entry for this variant (Variation ID: 2055347). An algorithm developed to predict the effect of missense changes on protein structure and function (PolyPhen-2) suggests that this variant is likely to be disruptive. In summary, the available evidence is currently insufficient to determine the role of this variant in disease. Therefore, it has been classified as a Variant of Uncertain Significance.

Ambry Genetics
Classification: Uncertain significance for Inborn genetic diseases. Last evaluated: 2025-11-26. Review status: criteria provided, single submitter. Criteria: Ambry Variant Classification Scheme 2023. Collection method: clinical testing. Allele origin: germline.

NM_006059.4(LAMC3):c.4361T>G (p.Leu1454Arg)

Gene: LAMC3 (laminin subunit gamma 3; plus strand). Cytogenetic location: 9q34.12.
Variant type: single nucleotide variant.
Coding change: c.4361T>G on transcript NM_006059.4 (MANE Select); coding-DNA position 4361, T replaced by G.
Protein change: p.Leu1454Arg; replaces leucine 1454 with arginine.
Molecular consequence: missense variant.
Genome position (GRCh38, 1-based): chr9:131,087,606, T>G. VCF-style: chr9-131087606-T-G. GRCh37 (hg19) VCF-style: chr9-133962993-T-G.
Other names: c.4361T>G (NM_006059.3); short protein forms L1454R.
Identifiers: ClinVar variation 2055347 (VCV002055347.5), dbSNP rs2538328617, ClinGen allele CA375265686.